The following is an entry in ClinVar:

NM_017775.4(TTC19):c.161C>T (p.Pro54Leu)

Genes: TTC19 (tetratricopeptide repeat domain 19; plus strand), LOC130060311 (ATAC-STARR-seq lymphoblastoid silent region 8214; plus strand). Cytogenetic location: 17p12.
Variant type: single nucleotide variant.
Coding change: c.161C>T on transcript NM_017775.4 (MANE Select); coding-DNA position 161, C replaced by T.
Protein change: p.Pro54Leu; replaces proline 54 with leucine.
Molecular consequence: missense variant. On other transcripts: 5 prime UTR variant (1).
Genome position (GRCh38, 1-based): chr17:16,000,009, C>T. VCF-style: chr17-16000009-C-T. GRCh37 (hg19) VCF-style: chr17-15903323-C-T.
Other names: p.Pro54Leu; c.-298C>T (NM_001271420.2); short protein forms P54L.
Identifiers: ClinVar variation 4542130 (VCV004542130.1).

ClinVar aggregate classification (germline): Uncertain significance (1 of 4 stars; one submission).

gnomAD v4.1: 2 of 1,252,198 alleles (0.00016%); highest among the groups gnomAD compares: African/African-American, 0.0032%; no homozygotes.

Submission:

Mayo Clinic Laboratories, Mayo Clinic
Classification: Uncertain significance. Last evaluated: 2025-10-22. Review status: criteria provided, single submitter. Criteria: ACMG Guidelines, 2015. Collection method: clinical testing. Allele origin: germline. Observed: 1 variant allele.
Comment: BP4_moderate, PM2_supporting